The following is an entry in ClinVar:

ClinVar aggregate classification (germline): Uncertain significance. Review status: criteria provided, multiple submitters, no conflicts (2 of 4 stars). 2 submissions from 2 submitters: Uncertain significance (2). Last evaluated 2025-11-24.

Conditions:
Inborn genetic diseases. Identifiers: MedGen C0950123, MeSH D030342.
Fanconi anemia (FA). Also called: Fanconi's anemia. Identifiers: Orphanet 84, MedGen C0015625, MeSH D005199, MONDO:0019391.

Submissions (2):

Ambry Genetics
Classification: Uncertain significance for Inborn genetic diseases. Last evaluated: 2025-11-24. Review status: criteria provided, single submitter. Criteria: Ambry Variant Classification Scheme 2023. Collection method: clinical testing. Allele origin: germline.
Comment: The p.K639R variant (also known as c.1916A>G), located in coding exon 11 of the FANCM gene, results from an A to G substitution at nucleotide position 1916. The lysine at codon 639 is replaced by arginine, an amino acid with highly similar properties. This amino acid position is conserved. In addition, this alteration is predicted to be tolerated by in silico analysis. Based on the available evidence, the clinical significance of this variant remains unclear.

Labcorp Genetics (formerly Invitae), Labcorp
Classification: Uncertain significance for Fanconi anemia. Last evaluated: 2021-05-31. Review status: criteria provided, single submitter. Criteria: Invitae Variant Classification Sherloc (09022015). Collection method: clinical testing. Allele origin: germline.
Comment: In summary, the available evidence is currently insufficient to determine the role of this variant in disease. Therefore, it has been classified as a Variant of Uncertain Significance. Algorithms developed to predict the effect of sequence changes on RNA splicing suggest that this variant may create or strengthen a splice site, but this prediction has not been confirmed by published transcriptional studies. Algorithms developed to predict the effect of missense changes on protein structure and function (SIFT, PolyPhen-2, Align-GVGD) all suggest that this variant is likely to be tolerated, but these predictions have not been confirmed by published functional studies and their clinical significance is uncertain. This variant has not been reported in the literature in individuals with FANCM-related conditions. This variant is not present in population databases (ExAC no frequency). This sequence change replaces lysine with arginine at codon 639 of the FANCM protein (p.Lys639Arg). The lysine residue is moderately conserved and there is a small physicochemical difference between lysine and arginine.

NM_020937.4(FANCM):c.1916A>G (p.Lys639Arg)

Gene: FANCM (FA complementation group M; plus strand). Cytogenetic location: 14q21.2.
Variant type: single nucleotide variant.
Coding change: c.1916A>G on transcript NM_020937.4 (MANE Select); coding-DNA position 1916, A replaced by G.
Protein change: p.Lys639Arg; replaces lysine 639 with arginine.
Molecular consequence: missense variant.
Genome position (GRCh38, 1-based): chr14:45,167,077, A>G. VCF-style: chr14-45167077-A-G. GRCh37 (hg19) VCF-style: chr14-45636280-A-G.
Other names: c.1838A>G, p.Lys613Arg (NM_001308133.2); c.1916A>G, p.Lys639Arg (NM_001308134.2); c.1916A>G (NM_020937.2); short protein forms K613R, K639R.
Identifiers: ClinVar variation 1357644 (VCV001357644.9), dbSNP rs2139214881, ClinGen allele CA389595051.